The following is an entry in ClinVar:

NM_001122955.4(BSCL2):c.830A>C (p.Tyr277Ser)

Genes: BSCL2 (BSCL2 lipid droplet biogenesis associated, seipin; minus strand), HNRNPUL2-BSCL2 (HNRNPUL2-BSCL2 readthrough (NMD candidate); minus strand). Cytogenetic location: 11q12.3.
Variant type: single nucleotide variant.
Coding change: c.830A>C on transcript NM_001122955.4 (MANE Select); coding-DNA position 830, A replaced by C.
Protein change: p.Tyr277Ser; replaces tyrosine 277 with serine.
Molecular consequence: missense variant. On other transcripts: non-coding transcript variant (1).
Genome position (GRCh38, 1-based): chr11:62,692,409, T>G on the plus strand (A>C on the coding strand, the complement: BSCL2 is on the minus strand). VCF-style: chr11-62692409-T-G. GRCh37 (hg19) VCF-style: chr11-62459881-T-G.
Other names: c.830A>C, p.Tyr277Ser (NM_001386027.1, NM_001386028.1); c.638A>C, p.Tyr213Ser (NM_032667.6, NM_001130702.2); short protein forms Y277S, Y213S.
Identifiers: ClinVar variation 2738621 (VCV002738621.3), dbSNP rs1386884650, ClinGen allele CA380962046.

ClinVar aggregate classification (germline): Uncertain significance (1 of 4 stars; one submission).

Conditions:
Charcot-Marie-Tooth disease type 2. Also called: Charcot-Marie-Tooth type 2. Identifiers: Orphanet 64746, MedGen C0270914, MONDO:0018993.

Submission:

Labcorp Genetics (formerly Invitae), Labcorp
Classification: Uncertain significance for Charcot-Marie-Tooth disease type 2. Last evaluated: 2023-07-08. Review status: criteria provided, single submitter. Criteria: Invitae Variant Classification Sherloc (09022015). Collection method: clinical testing. Allele origin: germline.
Comment: This sequence change replaces tyrosine, which is neutral and polar, with serine, which is neutral and polar, at codon 213 of the BSCL2 protein (p.Tyr213Ser). In summary, the available evidence is currently insufficient to determine the role of this variant in disease. Therefore, it has been classified as a Variant of Uncertain Significance. Advanced modeling of protein sequence and biophysical properties (such as structural, functional, and spatial information, amino acid conservation, physicochemical variation, residue mobility, and thermodynamic stability) performed at Invitae indicates that this missense variant is not expected to disrupt BSCL2 protein function. This variant has not been reported in the literature in individuals affected with BSCL2-related conditions. This variant is not present in population databases (gnomAD no frequency).